The following is an entry in ClinVar:

NM_001001957.2(OR2W3):c.815_816delinsAC (p.Met272Asn)

Gene: OR2W3 (olfactory receptor family 2 subfamily W member 3; plus strand). Cytogenetic location: 1q44.
Variant type: Indel.
Coding change: c.815_816delinsAC on transcript NM_001001957.2 (MANE Select); coding-DNA positions 815 to 816, TG replaced by AC.
Protein change: p.Met272Asn; replaces methionine 272 with asparagine.
Molecular consequence: missense variant.
Genome position (GRCh38, 1-based): chr1:247,896,401-247,896,402, TG replaced by AC. VCF-style: chr1-247896401-TG-AC. GRCh37 (hg19) VCF-style: chr1-248059703-TG-AC.
Other names: short protein forms M272N.
Identifiers: ClinVar variation 4724320 (VCV004724320.1).

ClinVar aggregate classification (germline): Uncertain significance (1 of 4 stars; one submission).

Submission:

Labcorp Genetics (formerly Invitae), Labcorp
Classification: Uncertain significance. Last evaluated: 2025-09-25. Review status: criteria provided, single submitter. Criteria: Invitae Variant Classification Sherloc (09022015). Collection method: clinical testing. Allele origin: germline.
Comment: This sequence change replaces methionine, which is neutral and non-polar, with asparagine, which is neutral and polar, at codon 272 of the OR2W3 protein (p.Met272Asn). Information on the frequency of this variant in the gnomAD database is not available, as this variant may be reported differently in the database. This variant has not been reported in the literature in individuals affected with OR2W3-related conditions. An algorithm developed to predict the effect of missense changes on protein structure and function (PolyPhen-2) suggests that this variant is likely to be tolerated. In summary, the available evidence is currently insufficient to determine the role of this variant in disease. Therefore, it has been classified as a Variant of Uncertain Significance.